The following is an entry in ClinVar:

ClinVar aggregate classification (germline): Conflicting classifications of pathogenicity. Review status: criteria provided, conflicting classifications (1 of 4 stars). 2 submissions from 2 submitters: Uncertain significance (1); Likely benign (1). Last evaluated 2024-12-10.

Conditions:
Hereditary cancer-predisposing syndrome. Also called: Tumor predisposition; Hereditary neoplastic syndrome; Neoplastic Syndromes, Hereditary; Hereditary Cancer Syndrome. Identifiers: Orphanet 140162, MedGen C0027672, MeSH D009386, MONDO:0015356.
Peutz-Jeghers syndrome (PJS). Also called: POLYPOSIS, HAMARTOMATOUS INTESTINAL; POLYPS-AND-SPOTS SYNDROME; Peutz-Jeghers polyposis; Periorificial lentiginosis syndrome. Identifiers: Orphanet 2869, MedGen C0031269, MeSH D010580, MONDO:0008280, OMIM 175200.

Submissions (2):

Labcorp Genetics (formerly Invitae), Labcorp
Classification: Likely benign for Peutz-Jeghers syndrome. Last evaluated: 2024-12-10. Review status: criteria provided, single submitter. Criteria: Invitae Variant Classification Sherloc (09022015). Collection method: clinical testing. Allele origin: germline.

Color Diagnostics, LLC DBA Color Health
Classification: Uncertain significance for Hereditary cancer-predisposing syndrome. Last evaluated: 2019-11-19. Review status: criteria provided, single submitter. Criteria: ACMG Guidelines, 2015. Collection method: clinical testing. Allele origin: germline.
Comment: This variant causes a C>G nucleotide substitution at the -7 position of intron 3 of the STK11 gene. Splice site prediction tools are inconclusive regarding the impact of this variant on RNA splicing. To our knowledge, functional studies have not been performed for this variant. This variant has not been reported in individuals affected with hereditary cancer in the literature. This variant has not been identified in the general population by the Genome Aggregation Database (gnomAD). The available evidence is insufficient to determine the role of this variant in disease conclusively. Therefore, this variant is classified as a Variant of Uncertain Significance.

NM_000455.5(STK11):c.465-7C>G

Gene: STK11 (serine/threonine kinase 11; plus strand). Cytogenetic location: 19p13.3.
Variant type: single nucleotide variant.
Coding change: c.465-7C>G on transcript NM_000455.5 (MANE Select); 7 bases into the intron before coding-DNA position 465, C replaced by G.
Molecular consequence: intron variant.
Genome position (GRCh38, 1-based): chr19:1,220,366, C>G. VCF-style: chr19-1220366-C-G. GRCh37 (hg19) VCF-style: chr19-1220365-C-G.
Identifiers: ClinVar variation 927520 (VCV000927520.11), dbSNP rs864622317, ClinGen allele CA1139666185.